The following is an entry in ClinVar:

NM_181672.3(OGT):c.3029A>G (p.Lys1010Arg)

Gene: OGT (O-linked N-acetylglucosamine (GlcNAc) transferase; plus strand). Cytogenetic location: Xq13.1.
Variant type: single nucleotide variant.
Coding change: c.3029A>G on transcript NM_181672.3 (MANE Select); coding-DNA position 3029, A replaced by G.
Protein change: p.Lys1010Arg; replaces lysine 1010 with arginine.
Molecular consequence: missense variant.
Genome position (GRCh38, 1-based): chrX:71,573,682, A>G. VCF-style: chrX-71573682-A-G. GRCh37 (hg19) VCF-style: chrX-70793532-A-G.
Other names: c.2999A>G, p.Lys1000Arg (NM_181673.3); c.3029A>G (NM_181672.2); short protein forms K1000R, K1010R.
Identifiers: ClinVar variation 1712281 (VCV001712281.7), dbSNP rs997650019, ClinGen allele CA331015444.
Genomic context (GRCh38, chrX:71,573,682, plus strand): 5'-TGAAGAAAGTTCGTGGCAAAGTCTGGAAGCAAAGAATATCTAGCCCTCTGTTCAACACCA[A>G]ACAATACACAATGGAACTAGAGCGGCTCTATCTACAGATGTGGGAGCATTATGCAGCTGG-3'
Protein context (NP_858058.1, residues 1000-1020): QRISSPLFNT[Lys1010Arg]QYTMELERLY

ClinVar aggregate classification (germline): Uncertain significance. Review status: criteria provided, multiple submitters, no conflicts (2 of 4 stars). 3 submissions from 3 submitters: Uncertain significance (3). Last evaluated 2024-02-20.

Conditions:
Intellectual developmental disorder, X-linked 106. Also called: Intellectual disability, X-linked 106; Mental retardation, X-linked 106. Identifiers: MedGen C4478379, MONDO:0030907, OMIM 300997.
Inborn genetic diseases. Identifiers: MedGen C0950123, MeSH D030342.

Allele frequency attached by ClinVar (database versions not stated): TOPMed 0.00003; gnomAD exomes 0.00002; gnomAD 0.00004.
gnomAD v4.1: 29 of 1,208,240 alleles (0.0024%); highest among the groups gnomAD compares: Non-Finnish European, 0.003%; no homozygotes.

Submissions (3):

Labcorp Genetics (formerly Invitae), Labcorp
Classification: Uncertain significance. Last evaluated: 2024-02-20. Review status: criteria provided, single submitter. Criteria: Invitae Variant Classification Sherloc (09022015). Collection method: clinical testing. Allele origin: germline.
Comment: This sequence change replaces lysine, which is basic and polar, with arginine, which is basic and polar, at codon 1010 of the OGT protein (p.Lys1010Arg). This variant is present in population databases (no rsID available, gnomAD 0.006%). This variant has not been reported in the literature in individuals affected with OGT-related conditions. ClinVar contains an entry for this variant (Variation ID: 1712281). An algorithm developed to predict the effect of missense changes on protein structure and function (PolyPhen-2) suggests that this variant is likely to be tolerated. In summary, the available evidence is currently insufficient to determine the role of this variant in disease. Therefore, it has been classified as a Variant of Uncertain Significance.

Ambry Genetics
Classification: Uncertain significance for Inborn genetic diseases. Last evaluated: 2022-12-05. Review status: criteria provided, single submitter. Criteria: Ambry Variant Classification Scheme 2023. Collection method: clinical testing. Allele origin: germline.

UNC Molecular Genetics  Laboratory, University of North Carolina at Chapel Hill
Classification: Uncertain significance for Intellectual developmental disorder, X-linked 106. Last evaluated: 2022-01-25. Review status: criteria provided, single submitter. Criteria: ACMG Guidelines, 2015. Collection method: research. Allele origin: unknown. Observed: 1 variant allele. Study: CSER_NCGENES_2.
Comment: OGT c.3029A>G p.(Lys1010Arg) is a missense variant which is predicted to change a single amino acid in the encoded protein from lysine to arginine. This variant is observed in gnomAD v2.1.1 with a global minor allele frequency of 0.001% (3 alleles/203,740 alleles; 0 homozygotes; 0 hemizygotes), and to our knowledge has not been reported in affected individuals in the literature. This variant is located in the catalytic domain in the encoded OGT protein. Two other pathogenic missense variants have been reported in this catalytic domain in association with X-linked intellectual disability (PMID 31296563, 31627256). However, without clinical or functional evidence, OGT c.3029A>G p.(Lys1010Arg) is classified as a variant of uncertain significance.